The following is an entry in ClinVar:

NM_001848.3(COL6A1):c.*797C>T

Gene: COL6A1 (collagen type VI alpha 1 chain; plus strand). Cytogenetic location: 21q22.3.
Variant type: single nucleotide variant.
Coding change: c.*797C>T on transcript NM_001848.3 (MANE Select); 797 bases downstream of the stop codon, C replaced by T.
Molecular consequence: 3 prime UTR variant.
Genome position (GRCh38, 1-based): chr21:46,004,810, C>T. VCF-style: chr21-46004810-C-T. GRCh37 (hg19) VCF-style: chr21-47424724-C-T.
Identifiers: ClinVar variation 340353 (VCV000340353.5), dbSNP rs576240028, ClinGen allele CA10653085.

ClinVar aggregate classification (germline): Benign (1 of 4 stars; one submission).

Conditions:
Collagen 6-related myopathy. Identifiers: MedGen CN117976, MONDO:0100225.

Allele frequency attached by ClinVar (database versions not stated): 1000 Genomes Project 0.00300; 1000 Genomes Project 30x 0.00312; gnomAD 0.00212 and 0.00224; TOPMed 0.00236.
gnomAD v4.1: 370 of 350,538 alleles (0.11%); highest among the groups gnomAD compares: African/African-American, 0.72%; 2 homozygotes.

Submission:

Illumina Laboratory Services, Illumina
Classification: Benign for Collagen VI-related myopathy. Last evaluated: 2018-01-12. Review status: criteria provided, single submitter. Criteria: ICSL Variant Classification Criteria 13 December 2019. Collection method: clinical testing. Allele origin: germline.
Comment: This variant was observed in the ICSL laboratory as part of a predisposition screen in an ostensibly healthy population. It had not been previously curated by ICSL or reported in the Human Gene Mutation Database (HGMD: prior to June 1st, 2018), and was therefore a candidate for classification through an automated scoring system. Utilizing variant allele frequency, disease prevalence and penetrance estimates, and inheritance mode, an automated score was calculated to assess if this variant is too frequent to cause the disease. Based on the score and internal cut-off values, a variant classified as benign is not then subjected to further curation. The score for this variant resulted in a classification of benign for this disease.